The following is an entry in ClinVar:

NM_001267550.2(TTN):c.69521_69525dup (p.Val23176fs)

Genes: TTN-AS1 (TTN antisense RNA 1; plus strand), TTN (titin; minus strand). Cytogenetic location: 2q31.2.
Variant type: Duplication.
Coding change: c.69521_69525dup on transcript NM_001267550.2 (MANE Select); coding-DNA positions 69521 to 69525, 5 bases duplicated (ATCAT; older notation c.69521_69525dupATCAT).
Protein change: p.Val23176fs; shifts the reading frame from valine 23176.
Molecular consequence: frameshift variant.
Genome position (GRCh38, 1-based): chr2:178,576,719-178,576,723, ATGAT duplicated on the plus strand (ATCAT on the coding strand, the reverse complement: TTN is on the minus strand); duplicating any 5 consecutive bases within chr2:178,576,719-178,576,725 gives the same sequence; the c. name uses the placement nearest the transcript's 3' end. VCF-style (leftmost placement, unchanged base first): chr2-178576718-C-CATGAT. GRCh37 (hg19) VCF-style: chr2-179441445-C-CATGAT.
Other names: c.64598_64602dup, p.Val21535fs (NM_001256850.1); c.42326_42330dup, p.Val14111fs (NM_003319.4); c.61817_61821dup, p.Val20608fs (NM_133378.4); c.42701_42705dup, p.Val14236fs (NM_133432.3); c.42902_42906dup, p.Val14303fs (NM_133437.4); short protein forms V14111fs, V14236fs, V14303fs, V20608fs, V21535fs, V23176fs.
Identifiers: ClinVar variation 1066090 (VCV001066090.9), dbSNP rs2154173232, ClinGen allele CA2499215372.
Genomic context (GRCh38, chr2:178,576,718, plus strand): 5'-CGGAAACTGGTGTTTTTATTGCTCTCACCCATCGCAGGCTTTTCTTTTCTCTCCTTTCTA[C>CATGAT]ATGATATCCTGTAATTTCGCTGCCACCATCATCCACTGGCCTTTTCCAGCTGACAGTGGC-3'

ClinVar aggregate classification (germline): Likely pathogenic (1 of 4 stars; one submission).

Conditions:
Dilated cardiomyopathy 1G (CMD1G). Identifiers: Orphanet 154, MedGen C1858763, MONDO:0011400, OMIM 604145.
Autosomal recessive limb-girdle muscular dystrophy type 2J (LGMDR10). Also called: Limb-girdle muscular dystrophy, type 2J; MUSCULAR DYSTROPHY, LIMB-GIRDLE, AUTOSOMAL RECESSIVE 10. Identifiers: Orphanet 140922, MedGen C1837342, MONDO:0012127, OMIM 608807.

Submission:

Labcorp Genetics (formerly Invitae), Labcorp
Classification: Likely pathogenic for Dilated cardiomyopathy 1G; Autosomal recessive limb-girdle muscular dystrophy type 2J. Last evaluated: 2023-09-13. Review status: criteria provided, single submitter. Criteria: Invitae Variant Classification Sherloc (09022015). Collection method: clinical testing. Allele origin: germline.
Comment: In summary, the currently available evidence indicates that the variant is pathogenic, but additional data are needed to prove that conclusively. Therefore, this variant has been classified as Likely Pathogenic. This variant is located in the A band of TTN (PMID: 25589632). Truncating variants in this region are significantly overrepresented in patients affected with dilated cardiomyopathy (PMID: 25589632). Truncating variants in this region have also been reported in individuals affected with autosomal recessive centronuclear myopathy (PMID: 23975875). ClinVar contains an entry for this variant (Variation ID: 1066090). This variant has not been reported in the literature in individuals affected with TTN-related conditions. This variant is not present in population databases (gnomAD no frequency). This sequence change creates a premature translational stop signal (p.Val23176Ilefs*3) in the TTN gene. While this is not anticipated to result in nonsense mediated decay, it is expected to create a truncated TTN protein.

Literature cited by the submitters: PubMed 25589632; PubMed 23975875.